The following is an entry in ClinVar:

ClinVar aggregate classification (germline): Uncertain significance. Review status: criteria provided, multiple submitters, no conflicts (2 of 4 stars). 2 submissions from 2 submitters: Uncertain significance (2). Last evaluated 2023-11-23.

Conditions:
Hereditary cancer-predisposing syndrome. Also called: Hereditary Cancer Syndrome; Neoplastic Syndromes, Hereditary; Tumor predisposition; Hereditary neoplastic syndrome. Identifiers: Orphanet 140162, MedGen C0027672, MeSH D009386, MONDO:0015356.

Submissions (2):

Ambry Genetics
Classification: Uncertain significance for Hereditary cancer-predisposing syndrome. Last evaluated: 2023-11-23. Review status: criteria provided, single submitter. Criteria: Ambry Variant Classification Scheme 2023. Collection method: clinical testing. Allele origin: germline.
Comment: The p.N64S variant (also known as c.191A>G), located in coding exon 2 of the RAD50 gene, results from an A to G substitution at nucleotide position 191. The asparagine at codon 64 is replaced by serine, an amino acid with highly similar properties. This amino acid position is conserved. In addition, this alteration is predicted to be tolerated by in silico analysis. Since supporting evidence is limited at this time, the clinical significance of this alteration remains unclear.

Labcorp Genetics (formerly Invitae), Labcorp
Classification: Uncertain significance for Hereditary cancer-predisposing syndrome. Last evaluated: 2023-10-11. Review status: criteria provided, single submitter. Criteria: Invitae Variant Classification Sherloc (09022015). Collection method: clinical testing. Allele origin: germline.
Comment: This sequence change replaces asparagine, which is neutral and polar, with serine, which is neutral and polar, at codon 64 of the RAD50 protein (p.Asn64Ser). This variant is not present in population databases (gnomAD no frequency). This variant has not been reported in the literature in individuals affected with RAD50-related conditions. Advanced modeling of protein sequence and biophysical properties (such as structural, functional, and spatial information, amino acid conservation, physicochemical variation, residue mobility, and thermodynamic stability) performed at Invitae indicates that this missense variant is not expected to disrupt RAD50 protein function. In summary, the available evidence is currently insufficient to determine the role of this variant in disease. Therefore, it has been classified as a Variant of Uncertain Significance.

NM_005732.4(RAD50):c.191A>G (p.Asn64Ser)

Gene: RAD50 (RAD50 double strand break repair protein; plus strand). Cytogenetic location: 5q31.1.
Variant type: single nucleotide variant.
Coding change: c.191A>G on transcript NM_005732.4 (MANE Select); coding-DNA position 191, A replaced by G.
Protein change: p.Asn64Ser; replaces asparagine 64 with serine.
Molecular consequence: missense variant.
Genome position (GRCh38, 1-based): chr5:132,559,345, A>G. VCF-style: chr5-132559345-A-G. GRCh37 (hg19) VCF-style: chr5-131895037-A-G.
Other names: c.191A>G (NM_005732.3); short protein forms N64S.
Identifiers: ClinVar variation 3009476 (VCV003009476.4), dbSNP rs2479579772, ClinGen allele CA360953668.